The following is an entry in ClinVar:

NM_014956.5(CEP164):c.1732A>G (p.Thr578Ala)

Gene: CEP164 (centrosomal protein 164; plus strand). Cytogenetic location: 11q23.3.
Variant type: single nucleotide variant.
Coding change: c.1732A>G on transcript NM_014956.5 (MANE Select); coding-DNA position 1732, A replaced by G.
Protein change: p.Thr578Ala; replaces threonine 578 with alanine.
Molecular consequence: missense variant.
Genome position (GRCh38, 1-based): chr11:117,387,210, A>G. VCF-style: chr11-117387210-A-G. GRCh37 (hg19) VCF-style: chr11-117257926-A-G.
Other names: c.1741A>G, p.Thr581Ala (NM_001271933.2); short protein forms T578A, T581A.
Identifiers: ClinVar variation 3345259 (VCV003345259.1).

ClinVar aggregate classification (germline): Uncertain significance (0 of 4 stars; one submission).

Conditions:
CEP164-related disorder. Also called: CEP164-related condition.

gnomAD v4.1: 1 of 1,614,132 alleles (0.000062%); highest among the groups gnomAD compares: Admixed American, 0.0017%; no homozygotes.

Submission:

PreventionGenetics, part of Exact Sciences
Classification: Uncertain significance for CEP164-related condition. Last evaluated: 2024-08-20. Review status: no assertion criteria provided. Collection method: clinical testing. Allele origin: germline.
Comment: The CEP164 c.1732A>G variant is predicted to result in the amino acid substitution p.Thr578Ala. To our knowledge, this variant has not been reported in the literature. This variant is reported in 0.0029% of alleles in individuals of Latino descent in gnomAD. At this time, the clinical significance of this variant is uncertain due to the absence of conclusive functional and genetic evidence.